The following is an entry in ClinVar:

ClinVar aggregate classification (germline): Uncertain significance. Review status: criteria provided, multiple submitters, no conflicts (2 of 4 stars). 2 submissions from 2 submitters: Uncertain significance (2). Last evaluated 2024-11-11.

Conditions:
3-methylglutaconic aciduria, type VIIB (MGCA7B). Also called: 3-methylglutaconic aciduria with cataracts, neurologic involvement and neutropenia; CLPB Deficiency; 3-methylglutaconic aciduria, type VII, with cataracts, neurologic involvement and neutropenia. Identifiers: Orphanet 445038, MedGen C5676893, MONDO:0014561, OMIM 616271.
Neutropenia, severe congenital, 9, autosomal dominant. Identifiers: MedGen C5676954, MONDO:0030726, OMIM 619813.
3-methylglutaconic aciduria, type VIIA. Also called: 3-METHYLGLUTACONIC ACIDURIA WITH NEUROLOGIC INVOLVEMENT AND NEUTROPENIA, AUTOSOMAL DOMINANT. Identifiers: MedGen C5676967, MONDO:0859237, OMIM 619835.

Allele frequency attached by ClinVar (database versions not stated): ExAC 0.00002; gnomAD 0.00002; TOPMed 0.00002; gnomAD exomes 0.00004 and 0.00007.

Submissions (2):

Labcorp Genetics (formerly Invitae), Labcorp
Classification: Uncertain significance for 3-methylglutaconic aciduria, type VIIB. Last evaluated: 2024-11-11. Review status: criteria provided, single submitter. Criteria: Invitae Variant Classification Sherloc (09022015). Collection method: clinical testing. Allele origin: germline.
Comment: This sequence change replaces glycine, which is neutral and non-polar, with arginine, which is basic and polar, at codon 72 of the CLPB protein (p.Gly72Arg). This variant is present in population databases (rs758376345, gnomAD 0.008%). This variant has not been reported in the literature in individuals affected with CLPB-related conditions. ClinVar contains an entry for this variant (Variation ID: 644249). An algorithm developed to predict the effect of missense changes on protein structure and function outputs the following: PolyPhen-2: "Benign". The arginine amino acid residue is found in multiple mammalian species, which suggests that this missense change does not adversely affect protein function. In summary, the available evidence is currently insufficient to determine the role of this variant in disease. Therefore, it has been classified as a Variant of Uncertain Significance.

Fulgent Genetics
Classification: Uncertain significance for 3-methylglutaconic aciduria, type VIIB; Neutropenia, severe congenital, 9, autosomal dominant; 3-methylglutaconic aciduria, type VIIA. Last evaluated: 2021-07-08. Review status: criteria provided, single submitter. Criteria: ACMG Guidelines, 2015. Collection method: clinical testing. Allele origin: unknown.

NM_001258392.3(CLPB):c.214G>A (p.Gly72Arg)

Genes: CLPB (ClpB family mitochondrial disaggregase; minus strand), LOC130006336 (ATAC-STARR-seq lymphoblastoid active region 5191; plus strand). Cytogenetic location: 11q13.4.
Variant type: single nucleotide variant.
Coding change: c.214G>A on transcript NM_001258392.3 (MANE Select); coding-DNA position 214, G replaced by A.
Protein change: p.Gly72Arg; replaces glycine 72 with arginine.
Molecular consequence: missense variant. On other transcripts: 5 prime UTR variant (1).
Genome position (GRCh38, 1-based): chr11:72,434,261, C>T on the plus strand (G>A on the coding strand, the complement: CLPB is on the minus strand). VCF-style: chr11-72434261-C-T. GRCh37 (hg19) VCF-style: chr11-72145305-C-T.
Other names: c.214G>A, p.Gly72Arg (NM_001258393.3, NM_030813.6); c.-29G>A (NM_001258394.3); short protein forms G72R.
Identifiers: ClinVar variation 644249 (VCV000644249.10), dbSNP rs758376345, ClinGen allele CA6171647.